The following is an entry in ClinVar:

ClinVar aggregate classification (germline): Uncertain significance (1 of 4 stars; one submission).

gnomAD v4.1: 2 of 152,478 alleles (0.0013%); highest among the groups gnomAD compares: Non-Finnish European, 0.0029%; no homozygotes.

Submission:

GeneDx
Classification: Uncertain significance. Last evaluated: 2025-10-03. Review status: criteria provided, single submitter. Criteria: GeneDx Variant Classification Process June 2021. Collection method: clinical testing. Allele origin: germline. Affected: yes.
Comment: In silico analysis supports a deleterious effect on splicing; Located in a regulatory region; in the absence of functional studies, the actual effect of this sequence change is unknown; No data available from control populations to assess the frequency of this variant; Has not been previously published as pathogenic or benign to our knowledge

NM_000552.5(VWF):c.-1+3A>G

Gene: VWF (von Willebrand factor; minus strand). Cytogenetic location: 12p13.31.
Variant type: single nucleotide variant.
Coding change: c.-1+3A>G on transcript NM_000552.5 (MANE Select); 3 bases into the intron after 1 bases upstream of the start codon, A replaced by G.
Molecular consequence: intron variant.
Genome position (GRCh38, 1-based): chr12:6,124,418, T>C on the plus strand (A>G on the coding strand, the complement: VWF is on the minus strand). VCF-style: chr12-6124418-T-C. GRCh37 (hg19) VCF-style: chr12-6233584-T-C.
Identifiers: ClinVar variation 4819515 (VCV004819515.1).